The following is an entry in ClinVar:

ClinVar aggregate classification (germline): Pathogenic/Likely pathogenic. Review status: criteria provided, multiple submitters, no conflicts (2 of 4 stars). 2 submissions from 2 submitters: Pathogenic (1); Likely pathogenic (1). Last evaluated 2026-02-02.

Allele frequency attached by ClinVar (database versions not stated): gnomAD exomes below 0.00001; TOPMed 0.00001.

Submissions (2):

Dasa
Classification: Likely pathogenic. Last evaluated: 2026-02-02. Review status: criteria provided, single submitter. Criteria: DASA Assertion Criteria. Collection method: clinical testing. Allele origin: germline.
Comment: NM_017909.4(RMND1):c.850_851del (p.Arg284Glyfs*13) is a frameshift variant in RMND1 predicted to alter the reading frame and introduce a premature termination codon and is predicted to result in an absent or altered protein product. Loss of function is an established disease mechanism for RMND1-associated disorders. Also, this variant is rare in population databases. Based on the currently available evidence, this variant is classified as likely pathogenic.

Labcorp Genetics (formerly Invitae), Labcorp
Classification: Pathogenic. Last evaluated: 2023-10-03. Review status: criteria provided, single submitter. Criteria: Invitae Variant Classification Sherloc (09022015). Collection method: clinical testing. Allele origin: germline.
Comment: This sequence change creates a premature translational stop signal (p.Arg284Glyfs*13) in the RMND1 gene. It is expected to result in an absent or disrupted protein product. Loss-of-function variants in RMND1 are known to be pathogenic (PMID: 27412952). This variant is not present in population databases (gnomAD no frequency). This variant has not been reported in the literature in individuals affected with RMND1-related conditions. ClinVar contains an entry for this variant (Variation ID: 1951855). For these reasons, this variant has been classified as Pathogenic.

Literature cited by the submitters: PubMed 27412952 (cited by Labcorp Genetics (formerly Invitae), Labcorp).

NM_017909.4(RMND1):c.850_851del (p.Arg284fs)

Gene: RMND1 (required for meiotic nuclear division 1 homolog; minus strand). Cytogenetic location: 6q25.1.
Variant type: Deletion.
Coding change: c.850_851del on transcript NM_017909.4 (MANE Select); coding-DNA positions 850 to 851, 2 bases deleted (AG; older notation c.850_851delAG).
Protein change: p.Arg284fs; shifts the reading frame from arginine 284.
Molecular consequence: frameshift variant.
Genome position (GRCh38, 1-based): chr6:151,423,611-151,423,612, CT deleted on the plus strand (AG on the coding strand, the reverse complement: RMND1 is on the minus strand). VCF-style (leftmost placement, unchanged base first): chr6-151423610-CCT-C. GRCh37 (hg19) VCF-style: chr6-151744745-CCT-C.
Other names: c.340_341del, p.Arg114fs (NM_001271937.2); short protein forms R114fs, R284fs.
Identifiers: ClinVar variation 1951855 (VCV001951855.7), dbSNP rs1780213989, ClinGen allele CA1672873484.